The following is an entry in ClinVar:

NM_024312.5(GNPTAB):c.457G>A (p.Asp153Asn)

Gene: GNPTAB (N-acetylglucosamine-1-phosphate transferase subunits alpha and beta; minus strand). Cytogenetic location: 12q23.2.
Variant type: single nucleotide variant.
Coding change: c.457G>A on transcript NM_024312.5 (MANE Select); coding-DNA position 457, G replaced by A.
Protein change: p.Asp153Asn; replaces aspartic acid 153 with asparagine.
Molecular consequence: missense variant.
Genome position (GRCh38, 1-based): chr12:101,786,126, C>T on the plus strand (G>A on the coding strand, the complement: GNPTAB is on the minus strand). VCF-style: chr12-101786126-C-T. GRCh37 (hg19) VCF-style: chr12-102179904-C-T.
Other names: short protein forms D153N.
Identifiers: ClinVar variation 306817 (VCV000306817.6), dbSNP rs886048853, ClinGen allele CA10640664.

ClinVar aggregate classification (germline): Uncertain significance. Review status: criteria provided, multiple submitters, no conflicts (2 of 4 stars). 3 submissions from 2 submitters: Uncertain significance (3). Last evaluated 2022-03-15.

Conditions:
Mucolipidosis type II. Also called: Mucolipidosis II Alpha/Beta; ML II ALPHA/BETA; Mucolipidosis 2; ML 2; Inclusion cell disease; Leroy Disease. Identifiers: Orphanet 576, MedGen C2673377, MONDO:0009650, OMIM 252500.
Pseudo-Hurler polydystrophy. Also called: MUCOLIPIDOSIS IIIA; ML IIIA; Mucolipidosis III Alpha/Beta; ML III; ML III ALPHA/BETA; Type III Mucolipidosis. Identifiers: Orphanet 423461, Orphanet 577, MedGen C0033788, MONDO:0018931, OMIM 252600.

Allele frequency attached by ClinVar (database versions not stated): gnomAD exomes below 0.00001.

Submissions (3):

Labcorp Genetics (formerly Invitae), Labcorp
Classification: Uncertain significance for Pseudo-Hurler polydystrophy; Mucolipidosis type II. Last evaluated: 2022-03-15. Review status: criteria provided, single submitter. Criteria: Invitae Variant Classification Sherloc (09022015). Collection method: clinical testing. Allele origin: germline.
Comment: This sequence change replaces aspartic acid, which is acidic and polar, with asparagine, which is neutral and polar, at codon 153 of the GNPTAB protein (p.Asp153Asn). This variant is not present in population databases (gnomAD no frequency). This variant has not been reported in the literature in individuals affected with GNPTAB-related conditions. ClinVar contains an entry for this variant (Variation ID: 306817). Advanced modeling of protein sequence and biophysical properties (such as structural, functional, and spatial information, amino acid conservation, physicochemical variation, residue mobility, and thermodynamic stability) performed at Invitae indicates that this missense variant is not expected to disrupt GNPTAB protein function. In summary, the available evidence is currently insufficient to determine the role of this variant in disease. Therefore, it has been classified as a Variant of Uncertain Significance.

Illumina Laboratory Services, Illumina
Classification: Uncertain significance for Mucolipidosis type II. Last evaluated: 2018-01-13. Review status: criteria provided, single submitter. Criteria: ICSL Variant Classification Criteria 13 December 2019. Collection method: clinical testing. Allele origin: germline.

Illumina Laboratory Services, Illumina
Classification: Uncertain significance for Pseudo-Hurler polydystrophy. Last evaluated: 2018-01-13. Review status: criteria provided, single submitter. Criteria: ICSL Variant Classification Criteria 13 December 2019. Collection method: clinical testing. Allele origin: germline.